The following is an entry in ClinVar:

NM_177438.3(DICER1):c.1071A>G (p.Ala357=)

Gene: DICER1 (dicer 1, ribonuclease III; minus strand). Cytogenetic location: 14q32.13.
Variant type: single nucleotide variant.
Coding change: c.1071A>G on transcript NM_177438.3 (MANE Select); coding-DNA position 1071, A replaced by G.
Protein change: p.Ala357=; no amino-acid change (alanine 357 retained).
Molecular consequence: synonymous variant.
Genome position (GRCh38, 1-based): chr14:95,124,501, T>C on the plus strand (A>G on the coding strand, the complement: DICER1 is on the minus strand). VCF-style: chr14-95124501-T-C. GRCh37 (hg19) VCF-style: chr14-95590838-T-C.
Other names: c.1071A>G, p.Ala357= (NM_001195573.1, NM_001271282.3, NM_001291628.2 and 1 more transcripts).
Identifiers: ClinVar variation 417095 (VCV000417095.15), dbSNP rs1044861195, ClinGen allele CA16614399.

ClinVar aggregate classification (germline): Benign/Likely benign. Review status: criteria provided, multiple submitters, no conflicts (2 of 4 stars). 3 submissions from 3 submitters: Benign (1); Likely benign (2). Last evaluated 2026-04-15.

Conditions:
Hereditary cancer-predisposing syndrome. Also called: Hereditary Cancer Syndrome; Neoplastic Syndromes, Hereditary; Hereditary neoplastic syndrome; Tumor predisposition. Identifiers: Orphanet 140162, MedGen C0027672, MeSH D009386, MONDO:0015356.
DICER1-related tumor predisposition. Also called: DICER1-related pleuropulmonary blastoma cancer predisposition syndrome; DICER1 syndrome. Identifiers: Orphanet 284343, MedGen C3839822, MONDO:0100216.

Allele frequency attached by ClinVar (database versions not stated): gnomAD exomes 0.00001.
gnomAD v4.1: 14 of 1,614,118 alleles (0.00087%); highest among the groups gnomAD compares: Non-Finnish European, 0.0012%; no homozygotes.

Submissions (3):

Myriad Genetics, Inc.
Classification: Benign for DICER1-related tumor predisposition. Last evaluated: 2026-04-15. Review status: criteria provided, single submitter. Criteria: Myriad Autosomal Dominant, Autosomal Recessive and X-Linked Classification Criteria (2023). Collection method: clinical testing. Allele origin: unknown.
Comment: This variant is considered benign. This variant is a silent/synonymous amino acid change and it is not expected to impact splicing.

Labcorp Genetics (formerly Invitae), Labcorp
Classification: Likely benign for DICER1-related tumor predisposition. Last evaluated: 2025-10-14. Review status: criteria provided, single submitter. Criteria: Invitae Variant Classification Sherloc (09022015). Collection method: clinical testing. Allele origin: germline.

Ambry Genetics
Classification: Likely benign for Hereditary cancer-predisposing syndrome. Last evaluated: 2020-06-04. Review status: criteria provided, single submitter. Criteria: Ambry Variant Classification Scheme 2023. Collection method: clinical testing. Allele origin: germline.